The following is an entry in ClinVar:

NM_004859.4(CLTC):c.97G>T (p.Glu33Ter)

Gene: CLTC (clathrin heavy chain; plus strand). Cytogenetic location: 17q23.1.
Variant type: single nucleotide variant.
Coding change: c.97G>T on transcript NM_004859.4 (MANE Select); coding-DNA position 97, G replaced by T.
Protein change: p.Glu33Ter; replaces glutamic acid 33 with a stop codon.
Molecular consequence: nonsense.
Genome position (GRCh38, 1-based): chr17:59,644,330, G>T. VCF-style: chr17-59644330-G-T. GRCh37 (hg19) VCF-style: chr17-57721691-G-T.
Other names: c.97G>T, p.Glu33Ter (NM_001288653.2); short protein forms E33*.
Identifiers: ClinVar variation 1455678 (VCV001455678.6), dbSNP rs2143496821, ClinGen allele CA400418610.
Genomic context (GRCh38, chr17:59,644,330, plus strand): 5'-TTCTAGCTCCAGAACCTGGGTATCAACCCAGCAAACATTGGCTTCAGTACCCTGACTATG[G>T]AGTCTGACAAATTCATCTGCATTAGAGAAAAAGTAGGAGAGCAGGCCCAGGTGGTAATCA-3'

ClinVar aggregate classification (germline): Pathogenic (1 of 4 stars; one submission).

Submission:

Labcorp Genetics (formerly Invitae), Labcorp
Classification: Pathogenic. Last evaluated: 2022-03-19. Review status: criteria provided, single submitter. Criteria: Invitae Variant Classification Sherloc (09022015). Collection method: clinical testing. Allele origin: germline.
Comment: For these reasons, this variant has been classified as Pathogenic. This variant has not been reported in the literature in individuals affected with CLTC-related conditions. This variant is not present in population databases (gnomAD no frequency). This sequence change creates a premature translational stop signal (p.Glu33*) in the CLTC gene. It is expected to result in an absent or disrupted protein product. Loss-of-function variants in CLTC are known to be pathogenic (PMID: 29100083).

Literature cited by the submitters: PubMed 29100083.